The following is an entry in ClinVar:

ClinVar aggregate classification (germline): Likely benign (0 of 4 stars; one submission).

Conditions:
CLASP1-related disorder. Also called: CLASP1-related condition.

Allele frequency attached by ClinVar (database versions not stated): gnomAD exomes 0.00001; gnomAD 0.00003; TOPMed 0.00003.
gnomAD v4.1: 15 of 1,609,334 alleles (0.00093%); highest among the groups gnomAD compares: African/African-American, 0.004%; no homozygotes.

Submission:

PreventionGenetics, part of Exact Sciences
Classification: Likely benign for CLASP1-related condition. Last evaluated: 2019-03-04. Review status: no assertion criteria provided. Collection method: clinical testing. Allele origin: germline.
Comment: This variant is classified as likely benign based on ACMG/AMP sequence variant interpretation guidelines (Richards et al. 2015 PMID: 25741868, with internal and published modifications).

NM_001395891.1(CLASP1):c.*2G>A

Gene: CLASP1 (cytoplasmic linker associated protein 1; minus strand). Cytogenetic location: 2q14.2.
Variant type: single nucleotide variant.
Coding change: c.*2G>A on transcript NM_001395891.1 (MANE Select); 2 bases downstream of the stop codon, G replaced by A.
Molecular consequence: 3 prime UTR variant.
Genome position (GRCh38, 1-based): chr2:121,340,859, C>T on the plus strand (G>A on the coding strand, the complement: CLASP1 is on the minus strand). VCF-style: chr2-121340859-C-T. GRCh37 (hg19) VCF-style: chr2-122098435-C-T.
Other names: c.*2G>A (NM_001142273.2, NM_001142274.2, NM_001207051.2 and 4 more transcripts).
Identifiers: ClinVar variation 3057779 (VCV003057779.2), dbSNP rs200795859, ClinGen allele CA54454537.